The following is an entry in ClinVar:

NM_198253.3(TERT):c.1960C>G (p.Leu654Val)

Gene: TERT (telomerase reverse transcriptase; minus strand). Cytogenetic location: 5p15.33.
Variant type: single nucleotide variant.
Coding change: c.1960C>G on transcript NM_198253.3 (MANE Select); coding-DNA position 1960, C replaced by G.
Protein change: p.Leu654Val; replaces leucine 654 with valine.
Molecular consequence: missense variant. On other transcripts: non-coding transcript variant (2).
Genome position (GRCh38, 1-based): chr5:1,279,461, G>C on the plus strand (C>G on the coding strand, the complement: TERT is on the minus strand). VCF-style: chr5-1279461-G-C. GRCh37 (hg19) VCF-style: chr5-1279576-G-C.
Other names: c.1960C>G, p.Leu654Val (NM_001193376.3, NM_003219.1); short protein forms L654V.
Identifiers: ClinVar variation 3238533 (VCV003238533.1), dbSNP rs1749863159.
Genomic context (GRCh38, chr5:1,279,461, plus strand): 5'-CGGGGCGCCGCGCCCGCTCGTAGTTGAGCACGCTGAACAGTGCCTTCACCCTCGAGGTGA[G>C]ACGCTCGGCCTGGCGGGGACAGCATGGGAGACAGTCAGGAAAGTGGATCCGGCCAAGTGC-3'
Protein context (NP_937983.2, residues 644-664): TFRREKRAER[Leu654Val]TSRVKALFSV

ClinVar aggregate classification (germline): Uncertain significance (1 of 4 stars; one submission).

Conditions:
Dyskeratosis congenita. Identifiers: Orphanet 1775, MedGen C0265965, MONDO:0015780.

Submission:

Ambry Genetics
Classification: Uncertain significance for Dyskeratosis congenita. Last evaluated: 2023-11-16. Review status: criteria provided, single submitter. Criteria: Ambry Variant Classification Scheme 2023. Collection method: clinical testing. Allele origin: germline.
Comment: The p.L654V variant (also known as c.1960C>G), located in coding exon 5 of the TERT gene, results from a C to G substitution at nucleotide position 1960. The leucine at codon 654 is replaced by valine, an amino acid with highly similar properties. This amino acid position is conserved. In addition, this alteration is predicted to be tolerated by in silico analysis. Since supporting evidence is limited at this time, the clinical significance of this alteration remains unclear.